The following is an entry in ClinVar:

NM_002485.5(NBN):c.1885G>A (p.Asp629Asn)

Genes: NBN (nibrin; minus strand), LOC126860438 (MED14-independent group 3 enhancer GRCh37_chr8:90959982-90961181; plus strand). Cytogenetic location: 8q21.3.
Variant type: single nucleotide variant.
Coding change: c.1885G>A on transcript NM_002485.5 (MANE Select); coding-DNA position 1885, G replaced by A.
Protein change: p.Asp629Asn; replaces aspartic acid 629 with asparagine.
Molecular consequence: missense variant.
Genome position (GRCh38, 1-based): chr8:89,947,853, C>T on the plus strand (G>A on the coding strand, the complement: NBN is on the minus strand). VCF-style: chr8-89947853-C-T. GRCh37 (hg19) VCF-style: chr8-90960081-C-T.
Other names: c.1639G>A, p.Asp547Asn (NM_001024688.3); c.1885G>A (NM_002485.4); short protein forms D629N, D547N.
Identifiers: ClinVar variation 1476977 (VCV001476977.7), dbSNP rs745559078, ClinGen allele CA4802662.
Genomic context (GRCh38, chr8:89,947,853, plus strand): 5'-TCTGTATAAAAATTAATAAAACGTTTCTCACAGATATTTCTTTAGCTGACCATAGTGAGT[C>T]TTCCTTGAGTTCACGTTTCTTCCCAATTTCATTTTCTTGCTAAAGAAATAAAATAAAAAA-3'
Protein context (NP_002476.2, residues 619-639): EIGKKRELKE[Asp629Asn]SLWSAKEISN

ClinVar aggregate classification (germline): Uncertain significance. Review status: criteria provided, multiple submitters, no conflicts (2 of 4 stars). 2 submissions from 2 submitters: Uncertain significance (2). Last evaluated 2025-06-12.

Conditions:
Microcephaly, normal intelligence and immunodeficiency (NBS). Also called: Nijmegen breakage syndrome; Microcephaly with normal intelligence immunodeficiency and lymphoreticular malignancies; Nonsyndromal microcephaly autosomal recessive with normal intelligence; Seemanova syndrome 2; IMMUNODEFICIENCY, MICROCEPHALY, AND CHROMOSOMAL INSTABILITY; SEEMANOVA SYNDROME II. Identifiers: Orphanet 647, MedGen C0398791, MONDO:0009623, OMIM 251260.
Hereditary cancer-predisposing syndrome. Also called: Hereditary neoplastic syndrome; Tumor predisposition; Neoplastic Syndromes, Hereditary; Hereditary Cancer Syndrome. Identifiers: Orphanet 140162, MedGen C0027672, MeSH D009386, MONDO:0015356.

Allele frequency attached by ClinVar (database versions not stated): gnomAD exomes below 0.00001; ExAC 0.00002.
gnomAD v4.1: 2 of 1,583,686 alleles (0.00013%); highest among the groups gnomAD compares: Non-Finnish European, 0.000086%; no homozygotes.

Submissions (2):

Ambry Genetics
Classification: Uncertain significance for Hereditary cancer-predisposing syndrome. Last evaluated: 2025-06-12. Review status: criteria provided, single submitter. Criteria: Ambry Variant Classification Scheme 2023. Collection method: clinical testing. Allele origin: germline.
Comment: The p.D629N variant (also known as c.1885G>A), located in coding exon 12 of the NBN gene, results from a G to A substitution at nucleotide position 1885. The aspartic acid at codon 629 is replaced by asparagine, an amino acid with highly similar properties. This amino acid position is conserved. In addition, this alteration is predicted to be tolerated by in silico analysis. Based on the available evidence, the clinical significance of this variant remains unclear.

Labcorp Genetics (formerly Invitae), Labcorp
Classification: Uncertain significance for Microcephaly, normal intelligence and immunodeficiency. Last evaluated: 2022-08-03. Review status: criteria provided, single submitter. Criteria: Invitae Variant Classification Sherloc (09022015). Collection method: clinical testing. Allele origin: germline.
Comment: The frequency data for this variant in the population databases is considered unreliable, as metrics indicate poor data quality at this position in the gnomAD database. This sequence change replaces aspartic acid, which is acidic and polar, with asparagine, which is neutral and polar, at codon 629 of the NBN protein (p.Asp629Asn). This variant has not been reported in the literature in individuals affected with NBN-related conditions. Algorithms developed to predict the effect of sequence changes on RNA splicing suggest that this variant may disrupt the consensus splice site. In summary, the available evidence is currently insufficient to determine the role of this variant in disease. Therefore, it has been classified as a Variant of Uncertain Significance. Algorithms developed to predict the effect of missense changes on protein structure and function (SIFT, PolyPhen-2, Align-GVGD) all suggest that this variant is likely to be tolerated. ClinVar contains an entry for this variant (Variation ID: 1476977).